The following is an entry in ClinVar:

NM_004064.5(CDKN1B):c.104C>T (p.Pro35Leu)

Gene: CDKN1B (cyclin dependent kinase inhibitor 1B; plus strand). Cytogenetic location: 12p13.1.
Variant type: single nucleotide variant.
Coding change: c.104C>T on transcript NM_004064.5 (MANE Select); coding-DNA position 104, C replaced by T.
Protein change: p.Pro35Leu; replaces proline 35 with leucine.
Molecular consequence: missense variant.
Genome position (GRCh38, 1-based): chr12:12,717,943, C>T. VCF-style: chr12-12717943-C-T. GRCh37 (hg19) VCF-style: chr12-12870877-C-T.
Other names: short protein forms P35L.
Identifiers: ClinVar variation 404279 (VCV000404279.17), dbSNP rs375297371, ClinGen allele CA6457378.

ClinVar aggregate classification (germline): Uncertain significance. Review status: criteria provided, multiple submitters, no conflicts (2 of 4 stars). 4 submissions from 4 submitters: Uncertain significance (4). Last evaluated 2026-02-03.

Conditions:
Hereditary cancer-predisposing syndrome. Also called: Tumor predisposition; Neoplastic Syndromes, Hereditary; Hereditary Cancer Syndrome; Hereditary neoplastic syndrome. Identifiers: Orphanet 140162, MedGen C0027672, MeSH D009386, MONDO:0015356.
Multiple endocrine neoplasia type 4. Also called: MULTIPLE ENDOCRINE NEOPLASIA, TYPE IV. Identifiers: Orphanet 276152, MedGen C1970712, MONDO:0012552, OMIM 610755.

Allele frequency attached by ClinVar (database versions not stated): gnomAD exomes 0.00001; ExAC 0.00002; gnomAD 0.00004 and 0.00005; TOPMed 0.00004; ESP Exome Variant Server 0.00008.
gnomAD v4.1: 21 of 1,614,078 alleles (0.0013%); highest among the groups gnomAD compares: African/African-American, 0.0053%; no homozygotes.

Submissions (4):

Labcorp Genetics (formerly Invitae), Labcorp
Classification: Uncertain significance for Multiple endocrine neoplasia type 4. Last evaluated: 2026-02-03. Review status: criteria provided, single submitter. Criteria: Invitae Variant Classification Sherloc (09022015). Collection method: clinical testing. Allele origin: germline.
Comment: This sequence change replaces proline, which is neutral and non-polar, with leucine, which is neutral and non-polar, at codon 35 of the CDKN1B protein (p.Pro35Leu). This variant is present in population databases (rs375297371, gnomAD 0.004%). This variant has not been reported in the literature in individuals affected with CDKN1B-related conditions. ClinVar contains an entry for this variant (Variation ID: 404279). An algorithm developed to predict the effect of missense changes on protein structure and function (PolyPhen-2) suggests that this variant is likely to be disruptive. Experimental studies have shown that this missense change does not substantially affect CDKN1B function (PMID: 28425505). In summary, the available evidence is currently insufficient to determine the role of this variant in disease. Therefore, it has been classified as a Variant of Uncertain Significance.

Ambry Genetics
Classification: Uncertain significance for Hereditary cancer-predisposing syndrome. Last evaluated: 2025-09-04. Review status: criteria provided, single submitter. Criteria: Ambry Variant Classification Scheme 2023. Collection method: clinical testing. Allele origin: germline.
Comment: The p.P35L variant (also known as c.104C>T), located in coding exon 1 of the CDKN1B gene, results from a C to T substitution at nucleotide position 104. The proline at codon 35 is replaced by leucine, an amino acid with similar properties. One study found that this alteration does not significantly perturb binding with the VHL protein (Minervini G et al. Sci Rep, 2017 Apr;7:46562). This amino acid position is not well conserved in available vertebrate species. In addition, the in silico prediction for this alteration is inconclusive. Since supporting evidence is limited at this time, the clinical significance of this alteration remains unclear.

GeneDx
Classification: Uncertain significance. Last evaluated: 2024-10-07. Review status: criteria provided, single submitter. Criteria: GeneDx Variant Classification Process June 2021. Collection method: clinical testing. Allele origin: germline. Affected: yes.
Comment: Not observed at significant frequency in large population cohorts (gnomAD); In silico analysis supports that this missense variant has a deleterious effect on protein structure/function; Published functional studies demonstrate no damaging effect on binding to VHL protein or yeast growth rates (PMID: 28425505); This variant is associated with the following publications: (PMID: 28425505, 36315513)

Baylor Genetics
Classification: Uncertain significance for Multiple endocrine neoplasia type 4. Last evaluated: 2024-01-12. Review status: criteria provided, single submitter. Criteria: ACMG Guidelines, 2015. Collection method: clinical testing. Allele origin: unknown.

Literature cited by the submitters: PubMed 28425505 (cited by Labcorp Genetics (formerly Invitae), Labcorp and Ambry Genetics).